The following is an entry in ClinVar:

ClinVar aggregate classification (germline): Conflicting classifications of pathogenicity. Review status: criteria provided, conflicting classifications (1 of 4 stars). 5 submissions from 4 submitters: Uncertain significance (2); Likely benign (2). 1 of the submissions does not count toward it. Last evaluated 2025-06-27.

Conditions:
Transitory neonatal diabetes mellitus. Also called: Transient neonatal diabetes mellitus. Identifiers: MedGen C0342273, MONDO:0020525, HP:0008255.
Hereditary hyperinsulinism.
Maturity-onset diabetes of the young (MODY). Also called: Maturity onset diabetes mellitus in young. Identifiers: Orphanet 552, MedGen C0342276, MONDO:0018911, HP:0004904.

Allele frequency attached by ClinVar (database versions not stated): gnomAD 0.00001 and 0.00002; TOPMed 0.00003; ExAC 0.00004; gnomAD exomes 0.00004.
gnomAD v4.1: 43 of 1,611,584 alleles (0.0027%); highest among the groups gnomAD compares: East Asian, 0.056%; 2 homozygotes.

Submissions (5):

Labcorp Genetics (formerly Invitae), Labcorp
Classification: Likely benign. Last evaluated: 2025-06-27. Review status: criteria provided, single submitter. Criteria: Invitae Variant Classification Sherloc (09022015). Collection method: clinical testing. Allele origin: germline.

Women's Health and Genetics/Laboratory Corporation of America, LabCorp
Classification: Likely benign. Last evaluated: 2025-04-16. Review status: criteria provided, single submitter. Criteria: LabCorp Variant Classification Summary - May 2015. Collection method: clinical testing. Allele origin: germline.
Comment: Variant summary: ABCC8 c.1818-7C>T alters a nucleotide located at a position not widely known to affect splicing. Consensus agreement among computation tools predict no significant impact on normal splicing. However, these predictions have yet to be confirmed by functional studies. The variant allele was found at a frequency of 4e-05 in 248948 control chromosomes. This frequency is not significantly higher than estimated for a pathogenic variant in ABCC8 causing Familial Hyperinsulinism (4e-05 vs 0.0034), allowing no conclusion about variant significance. To our knowledge, no occurrence of c.1818-7C>T in individuals affected with Familial Hyperinsulinism and no experimental evidence demonstrating its impact on protein function have been reported. ClinVar contains an entry for this variant (Variation ID: 799811). Based on the evidence outlined above, the variant was classified as likely benign.

Clinical Genomics, Uppaluri K&H Personalized Medicine Clinic
Classification: Uncertain significance for Transitory neonatal diabetes mellitus. Review status: criteria provided, single submitter. Criteria: K & H Uppaluri Personalized Medicine Clinic Variant Classification & Assertion Criteria_Updated V.1. Collection method: research. Allele origin: unknown. Inheritance: Somatic mutation.
Comment: Mutations in ABCC8 gene are associated with both neonatal diabetes mellitus as well as MODY. Patients with this mutation may have a better response to sulfonylureas. However, no sufficient evidence is found to ascertain the role of this particular variant (rs17846731) in neonatal diabetes yet.

Clinical Genomics, Uppaluri K&H Personalized Medicine Clinic
Classification: Uncertain significance for Maturity-onset diabetes of the young. Review status: criteria provided, single submitter. Criteria: K & H Uppaluri Personalized Medicine Clinic Variant Classification & Assertion Criteria_Updated V.1. Collection method: research. Allele origin: unknown. Inheritance: Somatic mutation.
Comment: Mutations in ABCC8 gene are associated with both neonatal diabetes mellitus as well as MODY. Patients with this mutation may have a better response to sulfonylureas. However, no sufficient evidence is found to ascertain the role of this particular variant (rs17846731) in MODY yet.

Natera, Inc.
Classification: Likely benign for Hereditary hyperinsulinism. Last evaluated: 2020-02-03. Review status: no assertion criteria provided. Collection method: clinical testing. Allele origin: germline. Not counted in ClinVar's aggregate classification.

Literature cited by the submitters: PubMed 9519757 (cited by Women's Health and Genetics/Laboratory Corporation of America, LabCorp); PubMed 16885549 (cited by Clinical Genomics, Uppaluri K&H Personalized Medicine Clinic); PubMed 21989597 (cited by Clinical Genomics, Uppaluri K&H Personalized Medicine Clinic); PubMed 27538677 (cited by Clinical Genomics, Uppaluri K&H Personalized Medicine Clinic); PubMed 18981553 (cited by Clinical Genomics, Uppaluri K&H Personalized Medicine Clinic); PubMed 32027066 (cited by Clinical Genomics, Uppaluri K&H Personalized Medicine Clinic); PubMed 16613899 (cited by Clinical Genomics, Uppaluri K&H Personalized Medicine Clinic); PubMed 18025408 (cited by Clinical Genomics, Uppaluri K&H Personalized Medicine Clinic); PubMed 32792356 (cited by Clinical Genomics, Uppaluri K&H Personalized Medicine Clinic).

NM_000352.6(ABCC8):c.1818-7C>T

Gene: ABCC8 (ATP binding cassette subfamily C member 8; minus strand). Cytogenetic location: 11p15.1.
Variant type: single nucleotide variant.
Coding change: c.1818-7C>T on transcript NM_000352.6 (MANE Select); 7 bases into the intron before coding-DNA position 1818, C replaced by T.
Molecular consequence: intron variant.
Genome position (GRCh38, 1-based): chr11:17,428,677, G>A on the plus strand (C>T on the coding strand, the complement: ABCC8 is on the minus strand). VCF-style: chr11-17428677-G-A. GRCh37 (hg19) VCF-style: chr11-17450224-G-A.
Other names: c.1815-7C>T (NM_001351297.2, NM_001351296.2); c.1818-7C>T (NM_001351295.2, NM_001287174.3).
Identifiers: ClinVar variation 799811 (VCV000799811.14), dbSNP rs17846731, ClinGen allele CA5903423.